The following is an entry in ClinVar:

ClinVar aggregate classification (germline): Uncertain significance. Review status: criteria provided, multiple submitters, no conflicts (2 of 4 stars). 3 submissions from 3 submitters: Uncertain significance (3). Last evaluated 2025-12-02.

Conditions:
Hereditary cancer-predisposing syndrome. Also called: Neoplastic Syndromes, Hereditary; Tumor predisposition; Hereditary Cancer Syndrome; Hereditary neoplastic syndrome. Identifiers: Orphanet 140162, MedGen C0027672, MeSH D009386, MONDO:0015356.
Familial cancer of breast. Also called: BREAST CANCER, FAMILIAL; hereditary breast carcinoma; Hereditary breast cancer. Identifiers: Orphanet 227535, MedGen C0346153, MONDO:0016419, OMIM 114480. Disease mechanism: loss of function.

Allele frequency attached by ClinVar (database versions not stated): gnomAD exomes below 0.00001.
gnomAD v4.1: 2 of 1,614,102 alleles (0.00012%); highest among the groups gnomAD compares: Non-Finnish European, 0.00017%; no homozygotes.

Submissions (3):

Ambry Genetics
Classification: Uncertain significance for Hereditary cancer-predisposing syndrome. Last evaluated: 2025-12-02. Review status: criteria provided, single submitter. Criteria: Ambry Variant Classification Scheme 2023. Collection method: clinical testing. Allele origin: germline.
Comment: The p.R148T variant (also known as c.443G>C), located in coding exon 2 of the CHEK2 gene, results from a G to C substitution at nucleotide position 443. The arginine at codon 148 is replaced by threonine, an amino acid with similar properties. This amino acid position is highly conserved in available vertebrate species. In addition, this alteration is predicted to be deleterious by in silico analysis. Based on the available evidence, the clinical significance of this variant remains unclear.

Labcorp Genetics (formerly Invitae), Labcorp
Classification: Uncertain significance for Familial cancer of breast. Last evaluated: 2024-07-17. Review status: criteria provided, single submitter. Criteria: Invitae Variant Classification Sherloc (09022015). Collection method: clinical testing. Allele origin: germline.
Comment: This sequence change replaces arginine, which is basic and polar, with threonine, which is neutral and polar, at codon 148 of the CHEK2 protein (p.Arg148Thr). This variant is not present in population databases (gnomAD no frequency). This variant has not been reported in the literature in individuals affected with CHEK2-related conditions. ClinVar contains an entry for this variant (Variation ID: 639007). An algorithm developed to predict the effect of missense changes on protein structure and function (PolyPhen-2) suggests that this variant is likely to be disruptive. In summary, the available evidence is currently insufficient to determine the role of this variant in disease. Therefore, it has been classified as a Variant of Uncertain Significance.

Color Diagnostics, LLC DBA Color Health
Classification: Uncertain significance for Hereditary cancer-predisposing syndrome. Last evaluated: 2021-06-21. Review status: criteria provided, single submitter. Criteria: ACMG Guidelines, 2015. Collection method: clinical testing. Allele origin: germline.
Comment: This missense variant replaces arginine with threonine at codon 148 of the CHEK2 protein. Computational prediction is inconclusive regarding the impact of this variant on protein structure and function (internally defined REVEL score threshold 0.5 < inconclusive < 0.7, PMID: 27666373). Functional studies using a yeast based DNA damage repair assay have reported this variant as benign (PMID: 30851065). This variant has not been reported in individuals affected with hereditary cancer in the literature. This variant has not been identified in the general population by the Genome Aggregation Database (gnomAD). The available evidence is insufficient to determine the role of this variant in disease conclusively. Therefore, this variant is classified as a Variant of Uncertain Significance.

NM_007194.4(CHEK2):c.443G>C (p.Arg148Thr)

Gene: CHEK2 (checkpoint kinase 2; minus strand). Cytogenetic location: 22q12.1.
Variant type: single nucleotide variant.
Coding change: c.443G>C on transcript NM_007194.4 (MANE Select); coding-DNA position 443, G replaced by C.
Protein change: p.Arg148Thr; replaces arginine 148 with threonine.
Molecular consequence: missense variant.
Genome position (GRCh38, 1-based): chr22:28,725,244, C>G on the plus strand (G>C on the coding strand, the complement: CHEK2 is on the minus strand). VCF-style: chr22-28725244-C-G. GRCh37 (hg19) VCF-style: chr22-29121232-C-G.
Other names: c.572G>C, p.Arg191Thr (NM_001005735.3); c.-335G>C (NM_001257387.3); c.443G>C, p.Arg148Thr (NM_001349956.3, NM_145862.3); short protein forms R191T, R148T.
Identifiers: ClinVar variation 639007 (VCV000639007.15), dbSNP rs142966756, ClinGen allele CA411107842.
Genomic context (GRCh38, chr22:28,725,244, plus strand): 5'-ATCTAAAAACAATGACCAAATTACCAGCTCTCCTAGATACATGGGTATTCATTACCTACC[C>G]TGAAAATCCGAAAGTGTTTCTTGCTGTATGTTCGGTATTTATCTGTTCTTTTCAGCAGTG-3'
Protein context (NP_009125.1, residues 138-158): TYSKKHFRIF[Arg148Thr]EVGPKNSYIA